The following is an entry in ClinVar:

ClinVar aggregate classification (germline): Likely benign. Review status: criteria provided, multiple submitters, no conflicts (2 of 4 stars). 3 submissions from 3 submitters: Likely benign (2). 1 of the submissions does not count toward it. Last evaluated 2025-04-24.

Conditions:
beta Thalassemia (BTHAL). Also called: Cooley's anemia; Erythroblastic anemia; Mediterranean anemia. Identifiers: Orphanet 848, MedGen C0005283, MONDO:0019402. Disease mechanism: loss of function.

Allele frequency attached by ClinVar (database versions not stated): gnomAD exomes below 0.00001.

Submissions (3):

Women's Health and Genetics/Laboratory Corporation of America, LabCorp
Classification: Likely benign. Last evaluated: 2025-04-24. Review status: criteria provided, single submitter. Criteria: LabCorp Variant Classification Summary - May 2015. Collection method: clinical testing. Allele origin: germline.
Comment: Variant summary: HBB c.93-6C>T alters a non-conserved nucleotide located at a position not widely known to affect splicing. Consensus agreement among computation tools predict no significant impact on normal splicing. However, these predictions have yet to be confirmed by functional studies. The variant was absent in 251104 control chromosomes. The available data on variant occurrences in the general population are insufficient to allow any conclusion about variant significance. To our knowledge, no occurrence of c.93-6C>T in individuals affected with Hemoglobinopathy and no experimental evidence demonstrating its impact on protein function have been reported. ClinVar contains an entry for this variant (Variation ID: 496008). Based on the evidence outlined above, the variant was classified as likely benign.

Labcorp Genetics (formerly Invitae), Labcorp
Classification: Likely benign. Last evaluated: 2020-12-07. Review status: criteria provided, single submitter. Criteria: Invitae Variant Classification Sherloc (09022015). Collection method: clinical testing. Allele origin: germline.

Natera, Inc.
Classification: Uncertain significance for Beta thalassemia. Last evaluated: 2020-10-18. Review status: no assertion criteria provided. Collection method: clinical testing. Allele origin: germline. Not counted in ClinVar's aggregate classification.

NM_000518.5(HBB):c.93-6C>T

Genes: HBB (hemoglobin subunit beta; minus strand), LOC106099062 (HBB recombination region; plus strand), LOC107133510 (origin of replication at HBB; plus strand). Cytogenetic location: 11p15.4.
Variant type: single nucleotide variant.
Coding change: c.93-6C>T on transcript NM_000518.5 (MANE Select); 6 bases into the intron before coding-DNA position 93, C replaced by T.
Molecular consequence: intron variant.
Genome position (GRCh38, 1-based): chr11:5,226,805, G>A on the plus strand (C>T on the coding strand, the complement: HBB is on the minus strand). VCF-style: chr11-5226805-G-A. GRCh37 (hg19) VCF-style: chr11-5248035-G-A.
Identifiers: ClinVar variation 496008 (VCV000496008.12), dbSNP rs1554918048, ClinGen allele CA658683676.